The following is an entry in ClinVar:

NM_003239.5(TGFB3):c.604T>G (p.Phe202Val)

Gene: TGFB3 (transforming growth factor beta 3; minus strand). Cytogenetic location: 14q24.3.
Variant type: single nucleotide variant.
Coding change: c.604T>G on transcript NM_003239.5 (MANE Select); coding-DNA position 604, T replaced by G.
Protein change: p.Phe202Val; replaces phenylalanine 202 with valine.
Molecular consequence: missense variant.
Genome position (GRCh38, 1-based): chr14:75,971,168, A>C on the plus strand (T>G on the coding strand, the complement: TGFB3 is on the minus strand). VCF-style: chr14-75971168-A-C. GRCh37 (hg19) VCF-style: chr14-76437511-A-C.
Other names: c.604T>G, p.Phe202Val (NM_001329938.2, NM_001329939.2); short protein forms F202V.
Identifiers: ClinVar variation 543952 (VCV000543952.16), dbSNP rs1474433492, ClinGen allele CA390469474.

ClinVar aggregate classification (germline): Uncertain significance. Review status: criteria provided, multiple submitters, no conflicts (2 of 4 stars). 2 submissions from 2 submitters: Uncertain significance (2). Last evaluated 2025-02-23.

Conditions:
Rienhoff syndrome. Also called: LOEYS-DIETZ SYNDROME 5. Identifiers: MedGen C3810012, MONDO:0014262, OMIM 615582.

Allele frequency attached by ClinVar (database versions not stated): gnomAD 0.00002; TOPMed 0.00001.

Submissions (2):

Labcorp Genetics (formerly Invitae), Labcorp
Classification: Uncertain significance for Rienhoff syndrome. Last evaluated: 2025-02-23. Review status: criteria provided, single submitter. Criteria: Invitae Variant Classification Sherloc (09022015). Collection method: clinical testing. Allele origin: germline.
Comment: This sequence change replaces phenylalanine, which is neutral and non-polar, with valine, which is neutral and non-polar, at codon 202 of the TGFB3 protein (p.Phe202Val). This variant is present in population databases (no rsID available, gnomAD 0.007%). This variant has not been reported in the literature in individuals affected with TGFB3-related conditions. ClinVar contains an entry for this variant (Variation ID: 543952). Invitae Evidence Modeling of protein sequence and biophysical properties (such as structural, functional, and spatial information, amino acid conservation, physicochemical variation, residue mobility, and thermodynamic stability) indicates that this missense variant is not expected to disrupt TGFB3 protein function with a negative predictive value of 80%. In summary, the available evidence is currently insufficient to determine the role of this variant in disease. Therefore, it has been classified as a Variant of Uncertain Significance.

ARUP Laboratories, Molecular Genetics and Genomics, ARUP Laboratories
Classification: Uncertain significance. Last evaluated: 2021-04-05. Review status: criteria provided, single submitter. Criteria: ARUP Molecular Germline Variant Investigation Process 2021. Collection method: clinical testing. Allele origin: germline.
Comment: The TGFB3 c.604T>G; p.Phe202Val variant (rs1474433492), to our knowledge, is not reported in the medical literature but is reported in ClinVar (Variation ID: 543952). This variant is only observed on one allele in the Genome Aggregation Database, indicating it is not a common polymorphism. The phenylalanine at codon 202 is highly conserved, but computational analyses predict that this variant is deleterious (REVEL: 0.753). However, given the lack of clinical and functional data, the significance of the p.Phe202Val variant is uncertain at this time.